The following is an entry in ClinVar:

ClinVar aggregate classification (germline): Pathogenic. Review status: criteria provided, multiple submitters, no conflicts (2 of 4 stars). 2 submissions from 2 submitters: Pathogenic (2). Last evaluated 2023-08-04.

Conditions:
USH2A-related disorder. Also called: USH2A-related disorders; USH2A-related condition. Identifiers: MedGen CN239332.

Allele frequency attached by ClinVar (database versions not stated): gnomAD exomes below 0.00001.
gnomAD v4.1: 4 of 1,613,880 alleles (0.00025%); highest among the groups gnomAD compares: Non-Finnish European, 0.00017%; no homozygotes.

Submissions (2):

Labcorp Genetics (formerly Invitae), Labcorp
Classification: Pathogenic. Last evaluated: 2023-08-04. Review status: criteria provided, single submitter. Criteria: Invitae Variant Classification Sherloc (09022015). Collection method: clinical testing. Allele origin: germline.
Comment: This premature translational stop signal has been observed in individual(s) with retinitis pigmentosa (PMID: 31960602). This sequence change creates a premature translational stop signal (p.Gln159*) in the USH2A gene. It is expected to result in an absent or disrupted protein product. Loss-of-function variants in USH2A are known to be pathogenic (PMID: 10729113, 10909849, 20507924, 25649381). This variant is not present in population databases (gnomAD no frequency). ClinVar contains an entry for this variant (Variation ID: 1457241). Algorithms developed to predict the effect of sequence changes on RNA splicing suggest that this variant may disrupt the consensus splice site. For these reasons, this variant has been classified as Pathogenic.

Blueprint Genetics
Classification: Pathogenic for USH2A-related disorders. Last evaluated: 2019-12-16. Review status: criteria provided, single submitter. Criteria: ACMG Guidelines, 2015. Collection method: clinical testing. Allele origin: germline. Affected: yes. Observed: 2 variant alleles.

Literature cited by the submitters: PubMed 31960602 (cited by Labcorp Genetics (formerly Invitae), Labcorp); PubMed 10729113 (cited by Labcorp Genetics (formerly Invitae), Labcorp); PubMed 10909849 (cited by Labcorp Genetics (formerly Invitae), Labcorp); PubMed 20507924 (cited by Labcorp Genetics (formerly Invitae), Labcorp); PubMed 25649381 (cited by Labcorp Genetics (formerly Invitae), Labcorp).

NM_206933.4(USH2A):c.475C>T (p.Gln159Ter)

Gene: USH2A (usherin; minus strand). Cytogenetic location: 1q41.
Variant type: single nucleotide variant.
Coding change: c.475C>T on transcript NM_206933.4 (MANE Select); coding-DNA position 475, C replaced by T.
Protein change: p.Gln159Ter; replaces glutamine 159 with a stop codon.
Molecular consequence: nonsense.
Genome position (GRCh38, 1-based): chr1:216,421,862, G>A on the plus strand (C>T on the coding strand, the complement: USH2A is on the minus strand). VCF-style: chr1-216421862-G-A. GRCh37 (hg19) VCF-style: chr1-216595204-G-A.
Other names: c.475C>T, p.Gln159Ter (NM_007123.6); short protein forms Q159*.
Identifiers: ClinVar variation 1457241 (VCV001457241.9), dbSNP rs1558081965, ClinGen allele CA344903685.